The following is an entry in ClinVar:

ClinVar aggregate classification (germline): Uncertain significance. Review status: criteria provided, multiple submitters, no conflicts (2 of 4 stars). 2 submissions from 2 submitters: Uncertain significance (2). Last evaluated 2025-08-09.

Conditions:
Inborn genetic diseases. Identifiers: MedGen C0950123, MeSH D030342.
Congenital myasthenic syndrome 8. Also called: MYASTHENIC SYNDROME, CONGENITAL, DUE TO AGRIN DEFICIENCY; Myasthenic syndrome, congenital, 8, with pre- and postsynaptic defects. Identifiers: Orphanet 590, MedGen C3808739, MONDO:0014052, OMIM 615120.

Allele frequency attached by ClinVar (database versions not stated): gnomAD 0.00006 and 0.00012; gnomAD exomes 0.00006 and 0.00009; ESP Exome Variant Server 0.00008; ExAC 0.00009; TOPMed 0.00012; 1000 Genomes Project 30x 0.00062; 1000 Genomes Project 0.00080.
gnomAD v4.1: 146 of 1,612,808 alleles (0.0091%); highest among the groups gnomAD compares: East Asian, 0.26%; 1 homozygote.

Submissions (2):

Ambry Genetics
Classification: Uncertain significance for Inborn genetic diseases. Last evaluated: 2025-08-09. Review status: criteria provided, single submitter. Criteria: Ambry Variant Classification Scheme 2023. Collection method: clinical testing. Allele origin: germline.

Labcorp Genetics (formerly Invitae), Labcorp
Classification: Uncertain significance for Congenital myasthenic syndrome 8. Last evaluated: 2022-03-23. Review status: criteria provided, single submitter. Criteria: Invitae Variant Classification Sherloc (09022015). Collection method: clinical testing. Allele origin: germline.
Comment: This sequence change replaces serine, which is neutral and polar, with leucine, which is neutral and non-polar, at codon 1692 of the AGRN protein (p.Ser1692Leu). This variant is present in population databases (rs143143061, gnomAD 0.05%). This variant has not been reported in the literature in individuals affected with AGRN-related conditions. Algorithms developed to predict the effect of missense changes on protein structure and function are either unavailable or do not agree on the potential impact of this missense change (SIFT: "Deleterious"; PolyPhen-2: "Probably Damaging"; Align-GVGD: "Class C0"). In summary, the available evidence is currently insufficient to determine the role of this variant in disease. Therefore, it has been classified as a Variant of Uncertain Significance.

NM_198576.4(AGRN):c.5075C>T (p.Ser1692Leu)

Gene: AGRN (agrin; plus strand). Cytogenetic location: 1p36.33.
Variant type: single nucleotide variant.
Coding change: c.5075C>T on transcript NM_198576.4 (MANE Select); coding-DNA position 5075, C replaced by T.
Protein change: p.Ser1692Leu; replaces serine 1692 with leucine.
Molecular consequence: missense variant.
Genome position (GRCh38, 1-based): chr1:1,050,525, C>T. VCF-style: chr1-1050525-C-T. GRCh37 (hg19) VCF-style: chr1-985905-C-T.
Other names: c.5075C>T, p.Ser1692Leu (NM_001305275.2); c.4760C>T, p.Ser1587Leu (NM_001364727.2); c.5075C>T (NM_198576.3); short protein forms S1587L, S1692L.
Identifiers: ClinVar variation 1491621 (VCV001491621.5), dbSNP rs143143061, ClinGen allele CA509838.